The following is an entry in ClinVar:

ClinVar aggregate classification (germline): Uncertain significance. Review status: criteria provided, multiple submitters, no conflicts (2 of 4 stars). 2 submissions from 2 submitters: Uncertain significance (2). Last evaluated 2026-01-05.

Allele frequency attached by ClinVar (database versions not stated): gnomAD 0.00006; ExAC 0.00007; ESP Exome Variant Server 0.00008; TOPMed 0.00009; gnomAD exomes 0.00013.
gnomAD v4.1: 201 of 1,612,932 alleles (0.012%); highest among the groups gnomAD compares: South Asian, 0.018%; no homozygotes.

Submissions (2):

Labcorp Genetics (formerly Invitae), Labcorp
Classification: Uncertain significance. Last evaluated: 2026-01-05. Review status: criteria provided, single submitter. Criteria: Invitae Variant Classification Sherloc (09022015). Collection method: clinical testing. Allele origin: germline.
Comment: This sequence change replaces arginine, which is basic and polar, with cysteine, which is neutral and slightly polar, at codon 470 of the VPS13C protein (p.Arg470Cys). This variant is present in population databases (rs376593674, gnomAD 0.02%). This variant has not been reported in the literature in individuals affected with VPS13C-related conditions. ClinVar contains an entry for this variant (Variation ID: 2796556). Invitae Evidence Modeling of protein sequence and biophysical properties (such as structural, functional, and spatial information, amino acid conservation, physicochemical variation, residue mobility, and thermodynamic stability) indicates that this missense variant is not expected to disrupt VPS13C protein function with a negative predictive value of 80%. In summary, the available evidence is currently insufficient to determine the role of this variant in disease. Therefore, it has been classified as a Variant of Uncertain Significance.

GeneDx
Classification: Uncertain significance. Last evaluated: 2025-08-12. Review status: criteria provided, single submitter. Criteria: GeneDx Variant Classification Process June 2021. Collection method: clinical testing. Allele origin: germline. Affected: yes.
Comment: In silico analysis supports that this missense variant has a deleterious effect on protein structure/function; Has not been previously published as pathogenic or benign to our knowledge

NM_020821.3(VPS13C):c.1408C>T (p.Arg470Cys)

Gene: VPS13C (vacuolar protein sorting 13 homolog C; minus strand). Cytogenetic location: 15q22.2.
Variant type: single nucleotide variant.
Coding change: c.1408C>T on transcript NM_020821.3 (MANE Select); coding-DNA position 1408, C replaced by T.
Protein change: p.Arg470Cys; replaces arginine 470 with cysteine.
Molecular consequence: missense variant.
Genome position (GRCh38, 1-based): chr15:61,991,748, G>A on the plus strand (C>T on the coding strand, the complement: VPS13C is on the minus strand). VCF-style: chr15-61991748-G-A. GRCh37 (hg19) VCF-style: chr15-62283947-G-A.
Other names: c.1408C>T, p.Arg470Cys (NM_001018088.3); c.1279C>T, p.Arg427Cys (NM_017684.5, NM_018080.4); c.1408C>T (NM_020821.2); short protein forms R427C, R470C.
Identifiers: ClinVar variation 2796556 (VCV002796556.3), dbSNP rs376593674, ClinGen allele CA7597057.